The following is an entry in ClinVar:

ClinVar aggregate classification (germline): Uncertain significance (1 of 4 stars; one submission).

Allele frequency attached by ClinVar (database versions not stated): gnomAD exomes below 0.00001.
gnomAD v4.1: 1 of 1,611,502 alleles (0.000062%); highest among the groups gnomAD compares: Non-Finnish European, 0.000085%; no homozygotes.

Submission:

Labcorp Genetics (formerly Invitae), Labcorp
Classification: Uncertain significance. Last evaluated: 2024-05-06. Review status: criteria provided, single submitter. Criteria: Invitae Variant Classification Sherloc (09022015). Collection method: clinical testing. Allele origin: germline.
Comment: This sequence change replaces tryptophan, which is neutral and slightly polar, with arginine, which is basic and polar, at codon 835 of the GANAB protein (p.Trp835Arg). This variant is not present in population databases (gnomAD no frequency). This variant has not been reported in the literature in individuals affected with GANAB-related conditions. Advanced modeling of protein sequence and biophysical properties (such as structural, functional, and spatial information, amino acid conservation, physicochemical variation, residue mobility, and thermodynamic stability) performed at Invitae indicates that this missense variant is not expected to disrupt GANAB protein function with a negative predictive value of 80%. In summary, the available evidence is currently insufficient to determine the role of this variant in disease. Therefore, it has been classified as a Variant of Uncertain Significance.

NM_198334.3(GANAB):c.2437T>C (p.Trp813Arg)

Gene: GANAB (glucosidase II alpha subunit; minus strand). Cytogenetic location: 11q12.3.
Variant type: single nucleotide variant.
Coding change: c.2437T>C on transcript NM_198334.3 (MANE Select); coding-DNA position 2437, T replaced by C.
Protein change: p.Trp813Arg; replaces tryptophan 813 with arginine.
Molecular consequence: missense variant.
Genome position (GRCh38, 1-based): chr11:62,626,645, A>G on the plus strand (T>C on the coding strand, the complement: GANAB is on the minus strand). VCF-style: chr11-62626645-A-G. GRCh37 (hg19) VCF-style: chr11-62394117-A-G.
Other names: c.2161T>C, p.Trp721Arg (NM_001278192.2); c.2095T>C, p.Trp699Arg (NM_001278193.2); c.2146T>C, p.Trp716Arg (NM_001278194.2, NM_001329222.2, NM_001329223.2); c.1714T>C, p.Trp572Arg (NM_001329224.2, NM_001329225.2); c.2503T>C, p.Trp835Arg (NM_198335.4); short protein forms W572R, W835R, W699R, W716R, W721R, W813R.
Identifiers: ClinVar variation 2803700 (VCV002803700.3), dbSNP rs2496294145, ClinGen allele CA380987502.